The following is an entry in ClinVar:

ClinVar aggregate classification (germline): Conflicting classifications of pathogenicity. Review status: criteria provided, conflicting classifications (1 of 4 stars). 3 submissions from 3 submitters: Uncertain significance (2); Likely benign (1). Last evaluated 2026-01-27.

Conditions:
Amelogenesis imperfecta hypomaturation type 2A2. Also called: AMELOGENESIS IMPERFECTA, PIGMENTED HYPOMATURATION TYPE, 2; Amelogenesis imperfecta, hypomaturation type, IIA2; Amelogenesis imperfecta, type IIA2. Identifiers: Orphanet 88661, MedGen C2675858, MONDO:0012926, OMIM 612529. Disease mechanism: loss of function.
MMP20-related disorder. Also called: MMP20-related condition.
Inborn genetic diseases. Identifiers: MedGen C0950123, MeSH D030342.

Allele frequency attached by ClinVar (database versions not stated): gnomAD 0.00022 and 0.00023; TOPMed 0.00022; ESP Exome Variant Server 0.00023; ExAC 0.00033.

Submissions (3):

PreventionGenetics, part of Exact Sciences
Classification: Likely benign for MMP20-related condition. Last evaluated: 2026-01-27. Review status: criteria provided, single submitter. Criteria: ACMG Guidelines, 2015. Collection method: clinical testing. Allele origin: germline.
Comment: This variant is classified as likely benign based on ACMG/AMP sequence variant interpretation guidelines (Richards et al. 2015 PMID: 25741868, with internal and published modifications).

Ambry Genetics
Classification: Uncertain significance for Inborn genetic diseases. Last evaluated: 2022-06-10. Review status: criteria provided, single submitter. Criteria: Ambry Variant Classification Scheme 2023. Collection method: clinical testing. Allele origin: germline.

Illumina Laboratory Services, Illumina
Classification: Uncertain significance for Amelogenesis imperfecta hypomaturation type 2A2. Last evaluated: 2018-01-13. Review status: criteria provided, single submitter. Criteria: ICSL Variant Classification Criteria 13 December 2019. Collection method: clinical testing. Allele origin: germline.

NM_004771.4(MMP20):c.757C>T (p.Pro253Ser)

Gene: MMP20 (matrix metallopeptidase 20; minus strand). Cytogenetic location: 11q22.2.
Variant type: single nucleotide variant.
Coding change: c.757C>T on transcript NM_004771.4 (MANE Select); coding-DNA position 757, C replaced by T.
Protein change: p.Pro253Ser; replaces proline 253 with serine.
Molecular consequence: missense variant.
Genome position (GRCh38, 1-based): chr11:102,608,991, G>A on the plus strand (C>T on the coding strand, the complement: MMP20 is on the minus strand). VCF-style: chr11-102608991-G-A. GRCh37 (hg19) VCF-style: chr11-102479722-G-A.
Other names: short protein forms P253S.
Identifiers: ClinVar variation 301946 (VCV000301946.8), dbSNP rs138853084, ClinGen allele CA6248353.
Genomic context (GRCh38, chr11:102,608,991, plus strand): 5'-TCTTACCGTATAATGCCTGGATCCCTTTCACATCATCTTTGGGGAGGTGGAATCCATAGG[G>A]ATTCTTGTACTTATAAGTTGGGTACATCAGTGCTGATGGGTCTGTGGAATGGGCCAGGCC-3'
Protein context (NP_004762.2, residues 243-263): LMYPTYKYKN[Pro253Ser]YGFHLPKDDV